The following is an entry in ClinVar:

ClinVar aggregate classification (germline): Uncertain significance. Review status: criteria provided, multiple submitters, no conflicts (2 of 4 stars). 2 submissions from 2 submitters: Uncertain significance (2). Last evaluated 2022-03-04.

Allele frequency attached by ClinVar (database versions not stated): gnomAD 0.00001; gnomAD exomes 0.00001; TOPMed 0.00001; ESP Exome Variant Server 0.00008.

Submissions (2):

Labcorp Genetics (formerly Invitae), Labcorp
Classification: Uncertain significance. Last evaluated: 2022-03-04. Review status: criteria provided, single submitter. Criteria: Invitae Variant Classification Sherloc (09022015). Collection method: clinical testing. Allele origin: germline.
Comment: In summary, the available evidence is currently insufficient to determine the role of this variant in disease. Therefore, it has been classified as a Variant of Uncertain Significance. Algorithms developed to predict the effect of missense changes on protein structure and function output the following: SIFT: "Tolerated"; PolyPhen-2: "Benign"; Align-GVGD: "Class C0". The threonine amino acid residue is found in multiple mammalian species, which suggests that this missense change does not adversely affect protein function. This variant has not been reported in the literature in individuals affected with SLC24A1-related conditions. This variant is not present in population databases (gnomAD no frequency). This sequence change replaces methionine, which is neutral and non-polar, with threonine, which is neutral and polar, at codon 114 of the SLC24A1 protein (p.Met114Thr).

Blueprint Genetics
Classification: Uncertain significance. Last evaluated: 2020-07-06. Review status: criteria provided, single submitter. Criteria: ACMG Guidelines, 2015. Collection method: clinical testing. Allele origin: germline.

NM_004727.3(SLC24A1):c.341T>C (p.Met114Thr)

Gene: SLC24A1 (solute carrier family 24 member 1; plus strand). Cytogenetic location: 15q22.31.
Variant type: single nucleotide variant.
Coding change: c.341T>C on transcript NM_004727.3 (MANE Select); coding-DNA position 341, T replaced by C.
Protein change: p.Met114Thr; replaces methionine 114 with threonine.
Molecular consequence: missense variant.
Genome position (GRCh38, 1-based): chr15:65,624,421, T>C. VCF-style: chr15-65624421-T-C. GRCh37 (hg19) VCF-style: chr15-65916759-T-C.
Other names: c.341T>C, p.Met114Thr (NM_001301031.1, NM_001301032.1, NM_001301033.2 and 1 more transcripts); short protein forms M114T.
Identifiers: ClinVar variation 1934879 (VCV001934879.6), dbSNP rs368656554, ClinGen allele CA271587543.